The following is an entry in ClinVar:

NM_001122681.2(SH3BP2):c.868G>A (p.Gly290Ser)

Gene: SH3BP2 (SH3 domain binding protein 2; plus strand). Cytogenetic location: 4p16.3.
Variant type: single nucleotide variant.
Coding change: c.868G>A on transcript NM_001122681.2 (MANE Select); coding-DNA position 868, G replaced by A.
Protein change: p.Gly290Ser; replaces glycine 290 with serine.
Molecular consequence: missense variant.
Genome position (GRCh38, 1-based): chr4:2,829,774, G>A. VCF-style: chr4-2829774-G-A. GRCh37 (hg19) VCF-style: chr4-2831501-G-A.
Other names: c.952G>A, p.Gly318Ser (NM_001145855.2); c.1039G>A, p.Gly347Ser (NM_001145856.2); c.868G>A, p.Gly290Ser (NM_003023.4); short protein forms G290S, G318S, G347S.
Identifiers: ClinVar variation 837283 (VCV000837283.10), dbSNP rs757550176, ClinGen allele CA2819343.

ClinVar aggregate classification (germline): Conflicting classifications of pathogenicity. Review status: criteria provided, conflicting classifications (1 of 4 stars). 2 submissions from 2 submitters: Uncertain significance (1); Likely benign (1). Last evaluated 2025-10-29.

Conditions:
Inborn genetic diseases. Identifiers: MedGen C0950123, MeSH D030342.
Fibrous dysplasia of jaw (CRBM). Also called: Cherubism. Identifiers: Orphanet 184, MedGen C0008029, MONDO:0007315, OMIM 118400.

Allele frequency attached by ClinVar (database versions not stated): gnomAD exomes below 0.00001; ExAC 0.00001; TOPMed 0.00001.
gnomAD v4.1: 14 of 1,612,868 alleles (0.00087%); highest among the groups gnomAD compares: East Asian, 0.0022%; no homozygotes.

Submissions (2):

Labcorp Genetics (formerly Invitae), Labcorp
Classification: Uncertain significance for Fibrous dysplasia of jaw. Last evaluated: 2025-10-29. Review status: criteria provided, single submitter. Criteria: Invitae Variant Classification Sherloc (09022015). Collection method: clinical testing. Allele origin: germline.
Comment: This sequence change replaces glycine, which is neutral and non-polar, with serine, which is neutral and polar, at codon 290 of the SH3BP2 protein (p.Gly290Ser). This variant is present in population databases (rs757550176, gnomAD 0.003%). This variant has not been reported in the literature in individuals affected with SH3BP2-related conditions. ClinVar contains an entry for this variant (Variation ID: 837283). Invitae Evidence Modeling of protein sequence and biophysical properties (such as structural, functional, and spatial information, amino acid conservation, physicochemical variation, residue mobility, and thermodynamic stability) indicates that this missense variant is not expected to disrupt SH3BP2 protein function with a negative predictive value of 80%. In summary, the available evidence is currently insufficient to determine the role of this variant in disease. Therefore, it has been classified as a Variant of Uncertain Significance.

Ambry Genetics
Classification: Likely benign for Inborn genetic diseases. Last evaluated: 2022-07-19. Review status: criteria provided, single submitter. Criteria: Ambry Variant Classification Scheme 2023. Collection method: clinical testing. Allele origin: germline.